The following is an entry in ClinVar:

NM_020778.5(ALPK3):c.-29C>A

Gene: ALPK3 (alpha kinase 3; plus strand). Cytogenetic location: 15q25.3.
Variant type: single nucleotide variant.
Coding change: c.-29C>A on transcript NM_020778.5 (MANE Select); 29 bases upstream of the start codon, C replaced by A.
Molecular consequence: 5 prime UTR variant.
Genome position (GRCh38, 1-based): chr15:84,817,424, C>A. VCF-style: chr15-84817424-C-A. GRCh37 (hg19) VCF-style: chr15-85360655-C-A.
Identifiers: ClinVar variation 4697891 (VCV004697891.1).

ClinVar aggregate classification (germline): Uncertain significance (1 of 4 stars; one submission).

gnomAD v4.1: 1 of 1,248,636 alleles (0.00008%); highest among the groups gnomAD compares: Non-Finnish European, 0.0001%; no homozygotes.

Submission:

Labcorp Genetics (formerly Invitae), Labcorp
Classification: Uncertain significance. Last evaluated: 2025-12-12. Review status: criteria provided, single submitter. Criteria: Invitae Variant Classification Sherloc (09022015). Collection method: clinical testing. Allele origin: germline.
Comment: This sequence change replaces alanine, which is neutral and non-polar, with glutamic acid, which is acidic and polar, at codon 193 of the ALPK3 protein (p.Ala193Glu). This variant is not present in population databases (gnomAD no frequency). This variant has not been reported in the literature in individuals affected with ALPK3-related conditions. An algorithm developed to predict the effect of missense changes on protein structure and function (PolyPhen-2) suggests that this variant is likely to be tolerated. In summary, the available evidence is currently insufficient to determine the role of this variant in disease. Therefore, it has been classified as a Variant of Uncertain Significance.